The following is an entry in ClinVar:

ClinVar aggregate classification (germline): Uncertain significance. Review status: criteria provided, multiple submitters, no conflicts (2 of 4 stars). 3 submissions from 3 submitters: Uncertain significance (3). Last evaluated 2025-01-07.

Conditions:
Developmental delay with autism spectrum disorder and gait instability (MRT38). Also called: Intellectual developmental disorder, autosomal recessive 38. Identifiers: Orphanet 329195, MedGen C3809753, MONDO:0014224, OMIM 615516.

Allele frequency attached by ClinVar (database versions not stated): TOPMed 0.00003; gnomAD 0.00002.
gnomAD v4.1: 18 of 1,614,078 alleles (0.0011%); highest among the groups gnomAD compares: African/African-American, 0.0027%; no homozygotes.

Submissions (3):

Clinical Genomics Laboratory, Washington University in St. Louis
Classification: Uncertain significance for Developmental delay with autism spectrum disorder and gait instability. Last evaluated: 2025-01-07. Review status: criteria provided, single submitter. Criteria: ACMG Guidelines, 2015. Collection method: clinical testing. Allele origin: germline.
Comment: The HERC2 c.2236C>T (p.Arg746Cys) variant, to our knowledge, has not been reported in the medical literature. This variant is absent from the general population (gnomAD v.2.1.1), indicating it is not a common variant. Computational predictors are uncertain as to the impact of this variant on HERC2 function. This variant has been reported in the ClinVar database as a germline variant of uncertain significance by two submitters. Due to limited information, and based on ACMG/AMP guidelines for variant interpretation (Richards S et al., PMID: 25741868), the clinical significance of this variant is uncertain at this time.

Greenwood Genetic Center Diagnostic Laboratories, Greenwood Genetic Center
Classification: Uncertain significance. Last evaluated: 2022-09-06. Review status: criteria provided, single submitter. Criteria: ACMG Guidelines, 2015. Collection method: clinical testing. Allele origin: germline. Affected: yes.
Comment: PM2, PP2

Baylor Genetics
Classification: Uncertain significance for Developmental delay with autism spectrum disorder and gait instability. Last evaluated: 2020-03-12. Review status: criteria provided, single submitter. Criteria: ACMG Guidelines, 2015. Collection method: clinical testing. Allele origin: unknown. Affected: yes.
Comment: This variant was determined to be of uncertain significance according to ACMG Guidelines, 2015 [PMID:25741868].

NM_004667.6(HERC2):c.2236C>T (p.Arg746Cys)

Gene: HERC2 (HECT and RLD domain containing E3 ubiquitin protein ligase 2; minus strand). Cytogenetic location: 15q13.1.
Variant type: single nucleotide variant.
Coding change: c.2236C>T on transcript NM_004667.6 (MANE Select); coding-DNA position 2236, C replaced by T.
Protein change: p.Arg746Cys; replaces arginine 746 with cysteine.
Molecular consequence: missense variant.
Genome position (GRCh38, 1-based): chr15:28,260,857, G>A on the plus strand (C>T on the coding strand, the complement: HERC2 is on the minus strand). VCF-style: chr15-28260857-G-A. GRCh37 (hg19) VCF-style: chr15-28506003-G-A.
Other names: short protein forms R746C.
Identifiers: ClinVar variation 1028802 (VCV001028802.5), dbSNP rs1043175459, ClinGen allele CA267935652.